The following is an entry in ClinVar:

NM_198576.4(AGRN):c.2197_2198delinsGC (p.Lys733Ala)

Gene: AGRN (agrin; plus strand). Cytogenetic location: 1p36.33.
Variant type: Indel.
Coding change: c.2197_2198delinsGC on transcript NM_198576.4 (MANE Select); coding-DNA positions 2197 to 2198, AA replaced by GC.
Protein change: p.Lys733Ala; replaces lysine 733 with alanine.
Molecular consequence: missense variant.
Genome position (GRCh38, 1-based): chr1:1,044,382-1,044,383, AA replaced by GC. VCF-style: chr1-1044382-AA-GC. GRCh37 (hg19) VCF-style: chr1-979762-AA-GC.
Other names: c.2197_2198delinsGC, p.Lys733Ala (NM_001305275.2); c.1882_1883delinsGC, p.Lys628Ala (NM_001364727.2); short protein forms K733A, K628A.
Identifiers: ClinVar variation 1378642 (VCV001378642.6), dbSNP rs2100649601, ClinGen allele CA2573130457.
Genomic context (GRCh38, chr1:1,044,382, plus strand): 5'-ACCACCCTCCAGGTGTGCGGCTCAGATGGGGTCACCTACAGCACCGAGTGTGAGCTGAAG[AA>GC]GGCCAGGTGTGAGTCACAGCGAGGGCTCTACGTAGCGGCCCAGGGAGCCTGCCGAGGTGA-3'
Protein context (NP_940978.2, residues 723-743): VTYSTECELK[Lys733Ala]ARCESQRGLY

ClinVar aggregate classification (germline): Uncertain significance (1 of 4 stars; one submission).

Conditions:
Congenital myasthenic syndrome 8. Also called: Myasthenic syndrome, congenital, 8, with pre- and postsynaptic defects; MYASTHENIC SYNDROME, CONGENITAL, DUE TO AGRIN DEFICIENCY. Identifiers: Orphanet 590, MedGen C3808739, MONDO:0014052, OMIM 615120.

Submission:

Labcorp Genetics (formerly Invitae), Labcorp
Classification: Uncertain significance for Congenital myasthenic syndrome 8. Last evaluated: 2021-08-30. Review status: criteria provided, single submitter. Criteria: Invitae Variant Classification Sherloc (09022015). Collection method: clinical testing. Allele origin: germline.
Comment: This sequence change replaces lysine with alanine at codon 733 of the AGRN protein (p.Lys733Ala). The lysine residue is highly conserved and there is a moderate physicochemical difference between lysine and alanine. The frequency data for this variant in the population databases is not available, as this variant may be reported as separate entries in the ExAC database. This variant has not been reported in the literature in individuals affected with AGRN-related conditions. Algorithms developed to predict the effect of missense changes on protein structure and function are either unavailable or do not agree on the potential impact of this missense change (SIFT: "Not Available"; PolyPhen-2: "Possibly Damaging"; Align-GVGD: "Not Available"). In summary, the available evidence is currently insufficient to determine the role of this variant in disease. Therefore, it has been classified as a Variant of Uncertain Significance.